The following is an entry in ClinVar:

NM_002778.4(PSAP):c.565C>T (p.Pro189Ser)

Gene: PSAP (prosaposin; minus strand). Cytogenetic location: 10q22.1.
Variant type: single nucleotide variant.
Coding change: c.565C>T on transcript NM_002778.4 (MANE Select); coding-DNA position 565, C replaced by T.
Protein change: p.Pro189Ser; replaces proline 189 with serine.
Molecular consequence: missense variant.
Genome position (GRCh38, 1-based): chr10:71,828,888, G>A on the plus strand (C>T on the coding strand, the complement: PSAP is on the minus strand). VCF-style: chr10-71828888-G-A. GRCh37 (hg19) VCF-style: chr10-73588645-G-A.
Other names: c.565C>T (NM_002778.3); c.565C>T, p.Pro189Ser (NM_001042465.3, NM_001042466.3); short protein forms P189S.
Identifiers: ClinVar variation 878037 (VCV000878037.8), dbSNP rs188854022, ClinGen allele CA5547746.
Genomic context (GRCh38, chr10:71,828,888, plus strand): 5'-CTCCAGTGCAACCAAAAATGGGTCCTCAGTGGCCAGCCCGTTGTCTTACCTTTGGCTGGG[G>A]CTTGCTGCGGGGGCCGTCCTGAGGGTAGAGGAGGAGAGGGATGTTGGCCATGAAGGGGGC-3'
Protein context (NP_002769.1, residues 179-199): LYPQDGPRSK[Pro189Ser]QPKDNGDVCQ

ClinVar aggregate classification (germline): Conflicting classifications of pathogenicity. Review status: criteria provided, conflicting classifications (1 of 4 stars). 7 submissions from 4 submitters: Uncertain significance (5); Benign (1); Likely benign (1). Last evaluated 2025-12-30.

Conditions:
Combined PSAP deficiency (PSAPD). Also called: PROSAPOSIN DEFICIENCY; Encephalopathy due to prosaposin deficiency; COMBINED SAP DEFICIENCY. Identifiers: Orphanet 139406, MedGen C2673635, MONDO:0012719, OMIM 611721.
Krabbe disease due to saposin A deficiency. Also called: Saposin A Deficiency; KRABBE DISEASE, ATYPICAL, DUE TO SAPOSIN A DEFICIENCY. Identifiers: Orphanet 487, MedGen C2673266, MONDO:0012720, OMIM 611722.
Sphingolipid activator protein 1 deficiency. Also called: METACHROMATIC LEUKODYSTROPHY DUE TO CEREBROSIDE SULFATASE ACTIVATOR DEFICIENCY; Metachromatic leukodystrophy due to saposin B deficiency; Saposin B Deficiency. Identifiers: Orphanet 512, MedGen C0268262, MONDO:0009590, OMIM 249900.
Gaucher disease due to saposin C deficiency. Also called: Saposin C Deficiency; Atypical Gaucher disease due to saposin C deficiency. Identifiers: Orphanet 309252, Orphanet 355, MedGen C1864651, MONDO:0012517, OMIM 610539.

Allele frequency attached by ClinVar (database versions not stated): gnomAD 0.00003 and 0.00006; gnomAD exomes 0.00007 and 0.00010; TOPMed 0.00008; ExAC 0.00011; 1000 Genomes Project 30x 0.00031; 1000 Genomes Project 0.00040.
gnomAD v4.1: 107 of 1,614,040 alleles (0.0066%); highest among the groups gnomAD compares: East Asian, 0.2%; no homozygotes.

Submissions (7):

Labcorp Genetics (formerly Invitae), Labcorp
Classification: Likely benign for Sphingolipid activator protein 1 deficiency. Last evaluated: 2025-12-30. Review status: criteria provided, single submitter. Criteria: Invitae Variant Classification Sherloc (09022015). Collection method: clinical testing. Allele origin: germline.

Blueprint Genetics
Classification: Uncertain significance. Last evaluated: 2024-07-23. Review status: criteria provided, single submitter. Criteria: ACMG Guidelines, 2015. Collection method: clinical testing. Allele origin: germline.

Women's Health and Genetics/Laboratory Corporation of America, LabCorp
Classification: Uncertain significance. Last evaluated: 2023-05-16. Review status: criteria provided, single submitter. Criteria: LabCorp Variant Classification Summary - May 2015. Collection method: clinical testing. Allele origin: germline.
Comment: Variant summary: PSAP c.565C>T (p.Pro189Ser) results in a non-conservative amino acid change in the encoded protein sequence. Three of five in-silico tools predict a benign effect of the variant on protein function. The variant allele was found at a frequency of 9.6e-05 in 250994 control chromosomes. This frequency is not significantly higher than estimated for a pathogenic variant in PSAP causing Metachromatic Leukodystrophy (9.6e-05 vs 0.0004), allowing no conclusion about variant significance. c.565C>T has been reported in the literature in individuals affected with Parkinson's disease (Chen_2021). These report(s) do not provide unequivocal conclusions about association of the variant with Metachromatic Leukodystrophy. To our knowledge, no experimental evidence demonstrating an impact on protein function has been reported. The following publication has been ascertained in the context of this evaluation (PMID: 33219486). One clinical diagnostic laboratory has submitted clinical-significance assessments for this variant to ClinVar after 2014 without evidence for independent evaluation. Based on the evidence outlined above, the variant was classified as uncertain significance.

Illumina Laboratory Services, Illumina
Classification: Benign for Gaucher disease due to saposin C deficiency. Last evaluated: 2018-01-12. Review status: criteria provided, single submitter. Criteria: ICSL Variant Classification Criteria 13 December 2019. Collection method: clinical testing. Allele origin: germline.
Comment: This variant was observed in the ICSL laboratory as part of a predisposition screen in an ostensibly healthy population. It had not been previously curated by ICSL or reported in the Human Gene Mutation Database (HGMD: prior to June 1st, 2018), and was therefore a candidate for classification through an automated scoring system. Utilizing variant allele frequency, disease prevalence and penetrance estimates, and inheritance mode, an automated score was calculated to assess if this variant is too frequent to cause the disease. Based on the score and internal cut-off values, a variant classified as benign is not then subjected to further curation. The score for this variant resulted in a classification of benign for this disease.

Illumina Laboratory Services, Illumina
Classification: Uncertain significance for Sphingolipid activator protein 1 deficiency. Last evaluated: 2018-01-12. Review status: criteria provided, single submitter. Criteria: ICSL Variant Classification Criteria 13 December 2019. Collection method: clinical testing. Allele origin: germline.

Illumina Laboratory Services, Illumina
Classification: Uncertain significance for Krabbe disease due to saposin A deficiency. Last evaluated: 2018-01-12. Review status: criteria provided, single submitter. Criteria: ICSL Variant Classification Criteria 13 December 2019. Collection method: clinical testing. Allele origin: germline.

Illumina Laboratory Services, Illumina
Classification: Uncertain significance for Combined PSAP deficiency. Last evaluated: 2018-01-12. Review status: criteria provided, single submitter. Criteria: ICSL Variant Classification Criteria 13 December 2019. Collection method: clinical testing. Allele origin: germline.

Literature cited by the submitters: PubMed 33219486 (cited by Women's Health and Genetics/Laboratory Corporation of America, LabCorp).